The following is an entry in ClinVar:

ClinVar aggregate classification (germline): Uncertain significance (1 of 4 stars; one submission).

Allele frequency attached by ClinVar (database versions not stated): gnomAD exomes below 0.00001.
gnomAD v4.1: 2 of 1,600,330 alleles (0.00012%); highest among the groups gnomAD compares: East Asian, 0.0045%; no homozygotes.

Submission:

Labcorp Genetics (formerly Invitae), Labcorp
Classification: Uncertain significance. Last evaluated: 2021-08-09. Review status: criteria provided, single submitter. Criteria: Invitae Variant Classification Sherloc (09022015). Collection method: clinical testing. Allele origin: germline.
Comment: Experimental studies and prediction algorithms are not available or were not evaluated, and the functional significance of this variant is currently unknown. In summary, the available evidence is currently insufficient to determine the role of this variant in disease. Therefore, it has been classified as a Variant of Uncertain Significance. This variant has not been reported in the literature in individuals affected with COL18A1-related conditions. This variant is not present in population databases (ExAC no frequency). This sequence change replaces valine with leucine at codon 219 of the COL18A1 protein (p.Val219Leu). There is a small physicochemical difference between valine and leucine.

NM_001379500.1(COL18A1):c.655G>T (p.Val219Leu)

Gene: COL18A1 (collagen type XVIII alpha 1 chain; plus strand). Cytogenetic location: 21q22.3.
Variant type: single nucleotide variant.
Coding change: c.655G>T on transcript NM_001379500.1 (MANE Select); coding-DNA position 655, G replaced by T.
Protein change: p.Val219Leu; replaces valine 219 with leucine.
Molecular consequence: missense variant.
Genome position (GRCh38, 1-based): chr21:45,473,898, G>T. VCF-style: chr21-45473898-G-T. GRCh37 (hg19) VCF-style: chr21-46893812-G-T.
Other names: c.1195G>T, p.Val399Leu (NM_030582.4); c.1900G>T, p.Val634Leu (NM_130444.3); short protein forms V399L, V634L, V219L.
Identifiers: ClinVar variation 1480086 (VCV001480086.6), dbSNP rs1174846862, ClinGen allele CA410512903.